The following is an entry in ClinVar:

NM_012082.4(ZFPM2):c.2482G>A (p.Val828Met)

Genes: ZFPM2 (zinc finger protein, FOG family member 2; plus strand), ZFPM2-AS1 (ZFPM2 antisense RNA 1; minus strand), LOC126860469 (BRD4-independent group 4 enhancer GRCh37_chr8:106814445-106815644; plus strand). Cytogenetic location: 8q23.1.
Variant type: single nucleotide variant.
Coding change: c.2482G>A on transcript NM_012082.4 (MANE Select); coding-DNA position 2482, G replaced by A.
Protein change: p.Val828Met; replaces valine 828 with methionine.
Molecular consequence: missense variant.
Genome position (GRCh38, 1-based): chr8:105,802,564, G>A. VCF-style: chr8-105802564-G-A. GRCh37 (hg19) VCF-style: chr8-106814792-G-A.
Other names: c.2323G>A, p.Val775Met (NM_001362836.2); c.2086G>A, p.Val696Met (NM_001362837.2); short protein forms V696M, V775M, V828M.
Identifiers: ClinVar variation 1317525 (VCV001317525.2), dbSNP rs267608262, ClinGen allele CA4839915.
Genomic context (GRCh38, chr8:105,802,564, plus strand): 5'-TGTGTTCCAGTTTCCAAATGTGATACTACTCATTCCAGTGTTTCCTGCCTAGAGATGGAC[G>A]TGCCCATAGATCTCAGCAAAAAGTGTTTATCTCAGTCTGAGCGGACGACCACGTCTCCCA-3'
Protein context (NP_036214.2, residues 818-838): HSSVSCLEMD[Val828Met]PIDLSKKCLS

ClinVar aggregate classification (germline): Uncertain significance (1 of 4 stars; one submission).

Allele frequency attached by ClinVar (database versions not stated): gnomAD exomes below 0.00001 and 0.00001; TOPMed below 0.00001; gnomAD 0.00001; ExAC 0.00002; ESP Exome Variant Server 0.00008.
gnomAD v4.1: 8 of 1,610,998 alleles (0.0005%); highest among the groups gnomAD compares: South Asian, 0.0066%; no homozygotes.

Submission:

GeneDx
Classification: Uncertain significance. Last evaluated: 2019-08-23. Review status: criteria provided, single submitter. Criteria: GeneDx Variant Classification Process June 2021. Collection method: clinical testing. Allele origin: germline. Affected: yes.
Comment: Not observed at a significant frequency in large population cohorts (Lek et al., 2016); In silico analysis, which includes protein predictors and evolutionary conservation, supports that this variant does not alter protein structure/function; Previously reported in three patients with non-syndromic Tetralogy of Fallot but familial segregation information and/or in vitro functional studies were not included in this report (Huang et al., 2014); This variant is associated with the following publications: (PMID: 24469719)